The following is an entry in ClinVar:

NM_130384.3(ATRIP):c.901T>C (p.Trp301Arg)

Genes: ATRIP (ATR interacting protein; plus strand), ATRIP-TREX1 (ATRIP-TREX1 readthrough; plus strand). Cytogenetic location: 3p21.31.
Variant type: single nucleotide variant.
Coding change: c.901T>C on transcript NM_130384.3 (MANE Select); coding-DNA position 901, T replaced by C.
Protein change: p.Trp301Arg; replaces tryptophan 301 with arginine.
Molecular consequence: missense variant. On other transcripts: non-coding transcript variant (1).
Genome position (GRCh38, 1-based): chr3:48,459,430, T>C. VCF-style: chr3-48459430-T-C. GRCh37 (hg19) VCF-style: chr3-48500829-T-C.
Other names: c.520T>C, p.Trp174Arg (NM_001271022.2); c.622T>C, p.Trp208Arg (NM_001271023.2); c.901T>C, p.Trp301Arg (NM_032166.4); short protein forms W301R, W174R, W208R.
Identifiers: ClinVar variation 3810303 (VCV003810303.1).

ClinVar aggregate classification (germline): Uncertain significance (1 of 4 stars; one submission).

Submission:

Ambry Genetics
Classification: Uncertain significance. Last evaluated: 2025-02-02. Review status: criteria provided, single submitter. Criteria: Ambry Variant Classification Scheme 2023. Collection method: clinical testing. Allele origin: germline.
Comment: The p.W301R variant (also known as c.901T>C), located in coding exon 6 of the ATRIP gene, results from a T to C substitution at nucleotide position 901. The tryptophan at codon 301 is replaced by arginine, an amino acid with dissimilar properties. This amino acid position is conserved. In addition, this alteration is predicted to be tolerated by in silico analysis. Based on the available evidence, the clinical significance of this variant remains unclear.